The following is an entry in ClinVar:

NM_001166108.2(PALLD):c.893C>G (p.Pro298Arg)

Gene: PALLD (palladin, cytoskeletal associated protein; plus strand). Cytogenetic location: 4q32.3.
Variant type: single nucleotide variant.
Coding change: c.893C>G on transcript NM_001166108.2 (MANE Select); coding-DNA position 893, C replaced by G.
Protein change: p.Pro298Arg; replaces proline 298 with arginine.
Molecular consequence: missense variant.
Genome position (GRCh38, 1-based): chr4:168,512,397, C>G. VCF-style: chr4-168512397-C-G. GRCh37 (hg19) VCF-style: chr4-169433548-C-G.
Other names: c.893C>G, p.Pro298Arg (NM_016081.4); c.893C>G (NM_001166108.1); short protein forms P298R.
Identifiers: ClinVar variation 1765182 (VCV001765182.3), dbSNP rs754137504, ClinGen allele CA3135449.
Genomic context (GRCh38, chr4:168,512,397, plus strand): 5'-GGAGCCAAGAAGTAGCAGAAGGGAGCCGAGTTTATCTGGAGTGTAGAGTCACTGGAAACC[C>G]CACTCCTCGAGTCAGGTATGAATTTTTGTATTATGCATAGCAAATGATCTTGTTGACTTT-3'
Protein context (NP_001159580.1, residues 288-308): VYLECRVTGN[Pro298Arg]TPRVRWFCEG

ClinVar aggregate classification (germline): Uncertain significance. Review status: criteria provided, single submitter (1 of 4 stars). 2 submissions from 1 submitter: Uncertain significance (2). Last evaluated 2022-01-27.

Conditions:
Hereditary cancer-predisposing syndrome. Also called: Neoplastic Syndromes, Hereditary; Tumor predisposition; Hereditary Cancer Syndrome; Hereditary neoplastic syndrome. Identifiers: Orphanet 140162, MedGen C0027672, MeSH D009386, MONDO:0015356.
Inborn genetic diseases. Identifiers: MedGen C0950123, MeSH D030342.

Allele frequency attached by ClinVar (database versions not stated): gnomAD exomes 0.00001; ExAC 0.00002; TOPMed 0.00003; gnomAD 0.00004.
gnomAD v4.1: 9 of 1,613,218 alleles (0.00056%); highest among the groups gnomAD compares: African/African-American, 0.012%; no homozygotes.

Submissions (2):

Ambry Genetics
Classification: Uncertain significance for Inborn genetic diseases. Last evaluated: 2022-01-27. Review status: criteria provided, single submitter. Criteria: Ambry General Variant Classification Scheme_2022. Collection method: clinical testing. Allele origin: germline. Observed: 1 variant allele.

Ambry Genetics
Classification: Uncertain significance for Hereditary cancer-predisposing syndrome. Last evaluated: 2021-07-20. Review status: criteria provided, single submitter. Criteria: Ambry General Variant Classification Scheme_2022. Collection method: clinical testing. Allele origin: germline. Observed: 1 variant allele.
Comment: The p.P298R variant (also known as c.893C>G), located in coding exon 1 of the PALLD gene, results from a C to G substitution at nucleotide position 893. The proline at codon 298 is replaced by arginine, an amino acid with dissimilar properties. This amino acid position is conserved. In addition, this alteration is predicted to be deleterious by in silico analysis. Since supporting evidence is limited at this time, the clinical significance of this alteration remains unclear.